The following is an entry in ClinVar:

NM_000337.6(SGCD):c.383-171A>G

Gene: SGCD (sarcoglycan delta; plus strand). Cytogenetic location: 5q33.3.
Variant type: single nucleotide variant.
Coding change: c.383-171A>G on transcript NM_000337.6 (MANE Select); 171 bases into the intron before coding-DNA position 383, A replaced by G.
Molecular consequence: intron variant.
Genome position (GRCh38, 1-based): chr5:156,594,761, A>G. VCF-style: chr5-156594761-A-G. GRCh37 (hg19) VCF-style: chr5-156021771-A-G.
Other names: c.380-171A>G (NM_001128209.2); c.383-171A>G (NM_172244.3).
Identifiers: ClinVar variation 675769 (VCV000675769.1), dbSNP rs888841, ClinGen allele CA130623659.

ClinVar aggregate classification (germline): Benign (1 of 4 stars; one submission).

Allele frequency attached by ClinVar (database versions not stated): 1000 Genomes Project 0.02097; 1000 Genomes Project 30x 0.02139; gnomAD 0.02178 and 0.02355; TOPMed 0.02515.
gnomAD v4.1: 3,296 of 152,320 alleles (2.2%); highest among the groups gnomAD compares: African/African-American, 7.3%; 120 homozygotes.

Submission:

GeneDx
Classification: Benign. Last evaluated: 2018-06-19. Review status: criteria provided, single submitter. Criteria: GeneDx Variant Classification (06012015). Collection method: clinical testing. Allele origin: germline. Affected: yes.
Comment: This variant is considered likely benign or benign based on one or more of the following criteria: it is a conservative change, it occurs at a poorly conserved position in the protein, it is predicted to be benign by multiple in silico algorithms, and/or has population frequency not consistent with disease.